The following is an entry in ClinVar:

ClinVar aggregate classification (germline): Benign/Likely benign. Review status: criteria provided, multiple submitters, no conflicts (2 of 4 stars). 6 submissions from 6 submitters: Benign (2); Likely benign (4). Last evaluated 2026-01-26.

Conditions:
Cystinuria (CSNU). Also called: CYSTINURIA, TYPE I; CYSTINURIA, TYPE II; CYSTINURIA, TYPE III; Cystinuria, non-type I. Identifiers: Orphanet 214, MedGen C0010691, MONDO:0009067, OMIM 220100, HP:0003131.

Allele frequency attached by ClinVar (database versions not stated): 1000 Genomes Project 30x 0.00156; 1000 Genomes Project 0.00180; TOPMed 0.00334; gnomAD 0.00338 and 0.00357; ESP Exome Variant Server 0.00377; gnomAD exomes 0.00400 and 0.00544; ExAC 0.00477.
gnomAD v4.1: 8,347 of 1,614,140 alleles (0.52%); highest among the groups gnomAD compares: Non-Finnish European, 0.65%; 29 homozygotes.

Submissions (6):

Labcorp Genetics (formerly Invitae), Labcorp
Classification: Benign for Cystinuria. Last evaluated: 2026-01-26. Review status: criteria provided, single submitter. Criteria: Invitae Variant Classification Sherloc (09022015). Collection method: clinical testing. Allele origin: germline.

CeGaT Center for Human Genetics Tuebingen
Classification: Likely benign. Last evaluated: 2025-08-01. Review status: criteria provided, single submitter. Criteria: CeGaT Center For Human Genetics Tuebingen Variant Classification Criteria Version 2. Collection method: clinical testing. Allele origin: germline. Affected: yes. Observed: 5 variant alleles.
Comment: SLC3A1: BP4, BP7

Blueprint Genetics
Classification: Likely benign. Last evaluated: 2024-11-21. Review status: criteria provided, single submitter. Criteria: ACMG Guidelines, 2015. Collection method: clinical testing. Allele origin: germline.

Fulgent Genetics
Classification: Benign for Cystinuria. Last evaluated: 2022-04-04. Review status: criteria provided, single submitter. Criteria: ACMG Guidelines, 2015. Collection method: clinical testing. Allele origin: unknown.

Illumina Laboratory Services, Illumina
Classification: Likely benign for Cystinuria. Last evaluated: 2017-04-27. Review status: criteria provided, single submitter. Criteria: ICSL Variant Classification Criteria 13 December 2019. Collection method: clinical testing. Allele origin: germline.
Comment: This variant was observed as part of a predisposition screen in an ostensibly healthy population. A literature search was performed for the gene, cDNA change, and amino acid change (where applicable). Publications were found based on this search. The evidence from the literature, in combination with allele frequency data from public databases where available, was sufficient to determine this variant is unlikely to cause disease. Therefore, this variant is classified as likely benign.

Breakthrough Genomics
Classification: Likely benign. Review status: criteria provided, single submitter. Criteria: ACMG Guidelines, 2015. Collection method: not provided. Allele origin: germline. Inheritance: Autosomal dominant inheritance. Affected: yes.

Literature cited by the submitters: PubMed 14991253 (cited by Illumina Laboratory Services, Illumina); PubMed 21255007 (cited by Illumina Laboratory Services, Illumina).

NM_000341.4(SLC3A1):c.1035G>A (p.Glu345=)

Gene: SLC3A1 (solute carrier family 3 member 1; plus strand). Cytogenetic location: 2p21.
Variant type: single nucleotide variant.
Coding change: c.1035G>A on transcript NM_000341.4 (MANE Select); coding-DNA position 1035, G replaced by A.
Protein change: p.Glu345=; no amino-acid change (glutamic acid 345 retained).
Molecular consequence: synonymous variant.
Genome position (GRCh38, 1-based): chr2:44,301,026, G>A. VCF-style: chr2-44301026-G-A. GRCh37 (hg19) VCF-style: chr2-44528165-G-A.
Identifiers: ClinVar variation 791683 (VCV000791683.41), dbSNP rs78795495, ClinGen allele CA1640389.